The following is an entry in ClinVar:

NC_012920.1(MT-ND2):m.4659G>A

Gene: MT-ND2 (mitochondrially encoded NADH dehydrogenase 2; plus strand).
Variant type: single nucleotide variant.
Genome position: chrM-4659-G-A.
Identifiers: ClinVar variation 692473 (VCV000692473.1), dbSNP rs1556422882, ClinGen allele CA414775189.

ClinVar aggregate classification (germline): Benign (1 of 4 stars; one submission).

Conditions:
Leigh syndrome (NULS). Also called: Leigh's necrotizing encephalopathy; Leigh's disease; Leigh Syndrome (mtDNA deletion); Leigh Disease; Subacute necrotizing encephalopathy; Necrotizing encephalopathy infantile subacute of Leigh. Identifiers: Orphanet 506, MedGen C2931891, MONDO:0009723, OMIM 256000.

Submission:

Wong Mito Lab, Molecular and Human Genetics, Baylor College of Medicine
Classification: Benign for Leigh syndrome. Last evaluated: 2019-10-17. Review status: criteria provided, single submitter. Criteria: Modified ACMG Guidelines (Unpublished). Collection method: clinical testing. Allele origin: germline.
Comment: The NC_012920.1:m.4659G>A (YP_003024027.1:p.Ala64Thr) variant in MTND2 gene is interpretated to be a Benign variant based on the modified ACMG guidelines (unpublished). This variant meets the following evidence codes: BS1, BS2